The following is an entry in ClinVar:

NM_012203.2(GRHPR):c.101G>A (p.Trp34Ter)

Gene: GRHPR (glyoxylate and hydroxypyruvate reductase; plus strand). Cytogenetic location: 9p13.2.
Variant type: single nucleotide variant.
Coding change: c.101G>A on transcript NM_012203.2 (MANE Select); coding-DNA position 101, G replaced by A.
Protein change: p.Trp34Ter; replaces tryptophan 34 with a stop codon.
Molecular consequence: nonsense.
Genome position (GRCh38, 1-based): chr9:37,424,862, G>A. VCF-style: chr9-37424862-G-A. GRCh37 (hg19) VCF-style: chr9-37424859-G-A.
Other names: c.101G>A (NM_012203.1); short protein forms W34*.
Identifiers: ClinVar variation 2675949 (VCV002675949.4), dbSNP rs2489231890, ClinGen allele CA373441376.

ClinVar aggregate classification (germline): Likely pathogenic. Review status: criteria provided, multiple submitters, no conflicts (2 of 4 stars). 3 submissions from 3 submitters: Likely pathogenic (3). Last evaluated 2025-01-20.

Conditions:
Primary hyperoxaluria, type II (HP2). Also called: D-GLYCERATE DEHYDROGENASE DEFICIENCY; GLYCERIC ACIDURIA; GLYOXYLATE REDUCTASE/HYDROXYPYRUVATE REDUCTASE DEFICIENCY; OXALOSIS II; Primary hyperoxaluria type 2. Identifiers: Orphanet 416, Orphanet 93599, MedGen C0268165, MONDO:0009824, OMIM 260000. Disease mechanism: loss of function.

Allele frequency attached by ClinVar (database versions not stated): gnomAD exomes below 0.00001.
gnomAD v4.1: 1 of 1,611,806 alleles (0.000062%); highest among the groups gnomAD compares: Non-Finnish European, 0.000085%; no homozygotes.

Submissions (3):

Natera, Inc.
Classification: Likely pathogenic for Primary hyperoxaluria type II. Last evaluated: 2025-01-20. Review status: criteria provided, single submitter. Criteria: Natera Variant Classification Schema (03/2026). Collection method: clinical testing. Allele origin: germline.
Comment: The c.101G>A variant in GRHPR is a nonsense variant predicted to introduce a stop codon at amino acid 34. This variant is expected to result in nonsense mediated decay, truncation, or a dysfunctional protein product. This variant is rare in the general population with a frequency below the threshold expected for the associated phenotype(s). Given the available evidence, this variant is classified as Likely Pathogenic.

Fulgent Genetics
Classification: Likely pathogenic for Primary hyperoxaluria, type II. Last evaluated: 2024-06-24. Review status: criteria provided, single submitter. Criteria: ACMG Guidelines, 2015. Collection method: clinical testing. Allele origin: germline.

Baylor Genetics
Classification: Likely pathogenic for Primary hyperoxaluria, type II. Last evaluated: 2023-07-02. Review status: criteria provided, single submitter. Criteria: ACMG Guidelines, 2015. Collection method: clinical testing. Allele origin: unknown.